The following is an entry in ClinVar:

ClinVar aggregate classification (germline): Uncertain significance (1 of 4 stars; one submission).

gnomAD v4.1: 4 of 1,612,622 alleles (0.00025%); highest among the groups gnomAD compares: East Asian, 0.0067%; no homozygotes.

Submission:

Ambry Genetics
Classification: Uncertain significance. Last evaluated: 2025-09-27. Review status: criteria provided, single submitter. Criteria: Ambry Variant Classification Scheme 2023. Collection method: clinical testing. Allele origin: germline.
Comment: The c.2512G>C (p.E838Q) alteration is located in exon 31 (coding exon 31) of the GSAP gene. This alteration results from a G to C substitution at nucleotide position 2512, causing the glutamic acid (E) at amino acid position 838 to be replaced by a glutamine (Q). Based on data from gnomAD, the C allele has an overall frequency of <0.001% (1/249258) total alleles studied. The highest observed frequency was 0.006% (1/17970) of East Asian alleles. Based on insufficient or conflicting evidence, the clinical significance of this alteration remains unclear.

NM_017439.4(GSAP):c.2512G>C (p.Glu838Gln)

Gene: GSAP (gamma-secretase activating protein; minus strand). Cytogenetic location: 7q11.23.
Variant type: single nucleotide variant.
Coding change: c.2512G>C on transcript NM_017439.4 (MANE Select); coding-DNA position 2512, G replaced by C.
Protein change: p.Glu838Gln; replaces glutamic acid 838 with glutamine.
Molecular consequence: missense variant. On other transcripts: non-coding transcript variant (2).
Genome position (GRCh38, 1-based): chr7:77,311,411, C>G on the plus strand (G>C on the coding strand, the complement: GSAP is on the minus strand). VCF-style: chr7-77311411-C-G. GRCh37 (hg19) VCF-style: chr7-76940728-C-G.
Other names: c.2512G>C, p.Glu838Gln (NM_001350896.2); c.2458G>C, p.Glu820Gln (NM_001350897.2); c.2455G>C, p.Glu819Gln (NM_001350898.2); c.2412G>C, p.Gln804His (NM_001350899.2); c.1867G>C, p.Glu623Gln (NM_001350900.2); c.1771G>C, p.Glu591Gln (NM_001350901.2); short protein forms E623Q, E819Q, E838Q, E591Q, Q804H, E820Q.
Identifiers: ClinVar variation 4674089 (VCV004674089.1).